The following is an entry in ClinVar:

ClinVar aggregate classification (germline): Uncertain significance (1 of 4 stars; one submission).

Submission:

Labcorp Genetics (formerly Invitae), Labcorp
Classification: Uncertain significance. Last evaluated: 2021-02-04. Review status: criteria provided, single submitter. Criteria: Invitae Variant Classification Sherloc (09022015). Collection method: clinical testing. Allele origin: germline.
Comment: In summary, the available evidence is currently insufficient to determine the role of this variant in disease. Therefore, it has been classified as a Variant of Uncertain Significance. Algorithms developed to predict the effect of missense changes on protein structure and function are either unavailable or do not agree on the potential impact of this missense change (SIFT: "Tolerated"; PolyPhen-2: "Probably Damaging"; Align-GVGD: "Class C0"). This variant has not been reported in the literature in individuals with CHM-related conditions. This variant is not present in population databases (ExAC no frequency). This sequence change replaces threonine with serine at codon 94 of the CHM protein (p.Thr94Ser). The threonine residue is moderately conserved and there is a small physicochemical difference between threonine and serine.

NM_000390.4(CHM):c.281C>G (p.Thr94Ser)

Gene: CHM (CHM Rab escort protein; minus strand). Cytogenetic location: Xq21.2.
Variant type: single nucleotide variant.
Coding change: c.281C>G on transcript NM_000390.4 (MANE Select); coding-DNA position 281, C replaced by G.
Protein change: p.Thr94Ser; replaces threonine 94 with serine.
Molecular consequence: missense variant. On other transcripts: 5 prime UTR variant (4).
Genome position (GRCh38, 1-based): chrX:85,978,800, G>C on the plus strand (C>G on the coding strand, the complement: CHM is on the minus strand). VCF-style: chrX-85978800-G-C. GRCh37 (hg19) VCF-style: chrX-85233804-G-C.
Other names: c.281C>G, p.Thr94Ser (NM_001145414.4); c.-164C>G (NM_001320959.1, NM_001362517.1); c.-160C>G (NM_001362518.2, NM_001362519.1); short protein forms T94S.
Identifiers: ClinVar variation 1008606 (VCV001008606.8), dbSNP rs1931432079, ClinGen allele CA413787841.